The following is an entry in ClinVar:

NM_000384.3(APOB):c.6797T>G (p.Leu2266Arg)

Gene: APOB (apolipoprotein B; minus strand). Cytogenetic location: 2p24.1.
Variant type: single nucleotide variant.
Coding change: c.6797T>G on transcript NM_000384.3 (MANE Select); coding-DNA position 6797, T replaced by G.
Protein change: p.Leu2266Arg; replaces leucine 2266 with arginine.
Molecular consequence: missense variant.
Genome position (GRCh38, 1-based): chr2:21,010,071, A>C on the plus strand (T>G on the coding strand, the complement: APOB is on the minus strand). VCF-style: chr2-21010071-A-C. GRCh37 (hg19) VCF-style: chr2-21232943-A-C.
Other names: short protein forms L2266R.
Identifiers: ClinVar variation 4526945 (VCV004526945.2), dbSNP rs766005962.
Genomic context (GRCh38, chr2:21,010,071, plus strand): 5'-TTTAACTTTCCAGCTAGGTGCTGGATGTCTATATTCTGTATGTGTCTCTTAAGCTGCTGC[A>C]GTTTTTCTTGTATCTGGATTCTGATTTGGTACTTAGTATCCACATTTTGAATCCAGGATG-3'
Protein context (NP_000375.3, residues 2256-2276): YQIRIQIQEK[Leu2266Arg]QQLKRHIQNI

ClinVar aggregate classification (germline): Conflicting classifications of pathogenicity. Review status: criteria provided, conflicting classifications (1 of 4 stars). 2 submissions from 2 submitters: Uncertain significance (1); Likely benign (1). Last evaluated 2025-08-22.

Conditions:
Familial hypobetalipoproteinemia 1. Also called: APOB-Related Familial Hypobetalipoproteinemia; Hypobetalipoproteinemia, normotriglyceridemic; Acanthocytosis with hypobetalipoproteinemia. Identifiers: MedGen C4551990, MONDO:0014252, OMIM 615558.
Hypercholesterolemia, autosomal dominant, type B (FHCL2). Also called: Familial Hypercholesterolemia Type B; APOLIPOPROTEIN B-100, FAMILIAL DEFECTIVE; APOLIPOPROTEIN B-100, FAMILIAL LIGAND-DEFECTIVE; HYPERCHOLESTEROLEMIA, FAMILIAL, DUE TO LIGAND-DEFECTIVE APOLIPOPROTEIN B; Hyperlipoproteinemia Type IIb; Familial hypercholesterolemia 2. Identifiers: MedGen C1704417, MONDO:0007751, OMIM 144010.

Allele frequency attached by ClinVar (database versions not stated): gnomAD exomes 0.00001; TOPMed 0.00001 and 0.00003; ExAC 0.00002.
gnomAD v4.1: 4 of 1,613,412 alleles (0.00025%); highest among the groups gnomAD compares: Non-Finnish European, 0.00034%; no homozygotes.

Submissions (2):

Labcorp Genetics (formerly Invitae), Labcorp
Classification: Likely benign for Familial hypobetalipoproteinemia 1; Hypercholesterolemia, autosomal dominant, type B. Last evaluated: 2025-08-22. Review status: criteria provided, single submitter. Criteria: Invitae Variant Classification Sherloc (09022015). Collection method: clinical testing. Allele origin: germline.

GeneDx
Classification: Uncertain significance. Last evaluated: 2025-05-05. Review status: criteria provided, single submitter. Criteria: GeneDx Variant Classification Process June 2021. Collection method: clinical testing. Allele origin: germline. Affected: yes.
Comment: Not observed at significant frequency in large population cohorts (gnomAD); In silico analysis supports that this missense variant has a deleterious effect on protein structure/function; Has not been previously published as pathogenic or benign to our knowledge; Also known as p.(L2239R)